The following is an entry in ClinVar:

NM_000196.4(HSD11B2):c.559A>G (p.Ser187Gly)

Gene: HSD11B2 (hydroxysteroid 11-beta dehydrogenase 2; plus strand). Cytogenetic location: 16q22.1.
Variant type: single nucleotide variant.
Coding change: c.559A>G on transcript NM_000196.4 (MANE Select); coding-DNA position 559, A replaced by G.
Protein change: p.Ser187Gly; replaces serine 187 with glycine.
Molecular consequence: missense variant.
Genome position (GRCh38, 1-based): chr16:67,436,037, A>G. VCF-style: chr16-67436037-A-G. GRCh37 (hg19) VCF-style: chr16-67469940-A-G.
Other names: c.559A>G (NM_000196.3); short protein forms S187G.
Identifiers: ClinVar variation 1923991 (VCV001923991.5), dbSNP rs1360791183, ClinGen allele CA396279152.
Genomic context (GRCh38, chr16:67,436,037, plus strand): 5'-AACGCAGGCCACAATGAAGTAGTTGCTGATGCGGAGCTGTCTCCAGTGGCCACTTTCCGT[A>G]GCTGCATGGAGGTGAATTTCTTTGGCGCGCTCGAGCTGACCAAGGGCCTCCTGCCCCTGC-3'
Protein context (NP_000187.3, residues 177-197): AELSPVATFR[Ser187Gly]CMEVNFFGAL

ClinVar aggregate classification (germline): Uncertain significance. Review status: criteria provided, multiple submitters, no conflicts (2 of 4 stars). 2 submissions from 2 submitters: Uncertain significance (2). Last evaluated 2025-06-12.

Conditions:
Inborn genetic diseases. Identifiers: MedGen C0950123, MeSH D030342.

Allele frequency attached by ClinVar (database versions not stated): gnomAD exomes below 0.00001; TOPMed 0.00001.

Submissions (2):

Labcorp Genetics (formerly Invitae), Labcorp
Classification: Uncertain significance. Last evaluated: 2025-06-12. Review status: criteria provided, single submitter. Criteria: Invitae Variant Classification Sherloc (09022015). Collection method: clinical testing. Allele origin: germline.
Comment: This sequence change replaces serine, which is neutral and polar, with glycine, which is neutral and non-polar, at codon 187 of the HSD11B2 protein (p.Ser187Gly). This variant is present in population databases (no rsID available, gnomAD 0.0009%). This variant has not been reported in the literature in individuals affected with HSD11B2-related conditions. ClinVar contains an entry for this variant (Variation ID: 1923991). An algorithm developed to predict the effect of missense changes on protein structure and function (PolyPhen-2) suggests that this variant is likely to be tolerated. In summary, the available evidence is currently insufficient to determine the role of this variant in disease. Therefore, it has been classified as a Variant of Uncertain Significance.

Ambry Genetics
Classification: Uncertain significance for Inborn genetic diseases. Last evaluated: 2024-06-07. Review status: criteria provided, single submitter. Criteria: Ambry Variant Classification Scheme 2023. Collection method: clinical testing. Allele origin: germline.